The following is an entry in ClinVar:

NM_001370466.1(NOD2):c.2929C>G (p.Leu977Val)

Genes: CYLD-AS1 (CYLD antisense RNA 1; minus strand), NOD2 (nucleotide binding oligomerization domain containing 2; plus strand). Cytogenetic location: 16q12.1.
Variant type: single nucleotide variant.
Coding change: c.2929C>G on transcript NM_001370466.1 (MANE Select); coding-DNA position 2929, C replaced by G.
Protein change: p.Leu977Val; replaces leucine 977 with valine.
Molecular consequence: missense variant. On other transcripts: non-coding transcript variant (1).
Genome position (GRCh38, 1-based): chr16:50,729,861, C>G. VCF-style: chr16-50729861-C-G. GRCh37 (hg19) VCF-style: chr16-50763772-C-G.
Other names: c.2929C>G, p.Leu977Val (NM_001293557.2); c.3010C>G, p.Leu1004Val (NM_022162.3); short protein forms L1004V, L977V.
Identifiers: ClinVar variation 841082 (VCV000841082.10), dbSNP rs772487940, ClinGen allele CA8052046.

ClinVar aggregate classification (germline): Uncertain significance (1 of 4 stars; one submission).

Conditions:
Blau syndrome (BLAUS). Also called: GRANULOMATOSIS, FAMILIAL JUVENILE SYSTEMIC; GRANULOMATOSIS, FAMILIAL, BLAU TYPE; GRANULOMATOUS INFLAMMATORY ARTHRITIS, DERMATITIS, AND UVEITIS, FAMILIAL; JABS SYNDROME; ARTHROCUTANEOUVEAL GRANULOMATOSIS. Identifiers: Orphanet 90340, MedGen C5201146, MONDO:0008523, OMIM 186580.
Regional enteritis. Also called: Enteritis, Granulomatous. Identifiers: MedGen C0678202, MeSH D003424.

Allele frequency attached by ClinVar (database versions not stated): gnomAD exomes below 0.00001; TOPMed below 0.00001; ExAC 0.00001; gnomAD 0.00001.
gnomAD v4.1: 7 of 1,613,046 alleles (0.00043%); highest among the groups gnomAD compares: Non-Finnish European, 0.00059%; no homozygotes.

Submission:

Labcorp Genetics (formerly Invitae), Labcorp
Classification: Uncertain significance for Regional enteritis; Blau syndrome. Last evaluated: 2019-01-16. Review status: criteria provided, single submitter. Criteria: Invitae Variant Classification Sherloc (09022015). Collection method: clinical testing. Allele origin: germline.
Comment: In summary, the available evidence is currently insufficient to determine the role of this variant in disease. Therefore, it has been classified as a Variant of Uncertain Significance. Algorithms developed to predict the effect of missense changes on protein structure and function are either unavailable or do not agree on the potential impact of this missense change (SIFT: "Deleterious"; PolyPhen-2: "Possibly Damaging"; Align-GVGD: "Class C0"). This variant has not been reported in the literature in individuals with NOD2-related conditions. This variant is present in population databases (rs772487940, ExAC 0.002%). This sequence change replaces leucine with valine at codon 1004 of the NOD2 protein (p.Leu1004Val). The leucine residue is highly conserved and there is a small physicochemical difference between leucine and valine.